The following is an entry in ClinVar:

ClinVar aggregate classification (germline): Uncertain significance (1 of 4 stars; one submission).

Submission:

Labcorp Genetics (formerly Invitae), Labcorp
Classification: Uncertain significance. Last evaluated: 2024-11-12. Review status: criteria provided, single submitter. Criteria: Invitae Variant Classification Sherloc (09022015). Collection method: clinical testing. Allele origin: germline.
Comment: This sequence change replaces arginine, which is basic and polar, with glutamine, which is neutral and polar, at codon 84 of the CEACAM16 protein (p.Arg84Gln). This variant is present in population databases (rs766058389, gnomAD 0.003%). This variant has not been reported in the literature in individuals affected with CEACAM16-related conditions. Invitae Evidence Modeling of protein sequence and biophysical properties (such as structural, functional, and spatial information, amino acid conservation, physicochemical variation, residue mobility, and thermodynamic stability) indicates that this missense variant is not expected to disrupt CEACAM16 protein function with a negative predictive value of 80%. In summary, the available evidence is currently insufficient to determine the role of this variant in disease. Therefore, it has been classified as a Variant of Uncertain Significance.

NM_001039213.4(CEACAM16):c.251G>A (p.Arg84Gln)

Genes: CEACAM16 (CEA cell adhesion molecule 16, tectorial membrane component; plus strand), CEACAM16-AS1 (CEACAM16, CEACAM19 and PVR antisense RNA 1; minus strand). Cytogenetic location: 19q13.32.
Variant type: single nucleotide variant.
Coding change: c.251G>A on transcript NM_001039213.4 (MANE Select); coding-DNA position 251, G replaced by A.
Protein change: p.Arg84Gln; replaces arginine 84 with glutamine.
Molecular consequence: missense variant.
Genome position (GRCh38, 1-based): chr19:44,703,562, G>A. VCF-style: chr19-44703562-G-A. GRCh37 (hg19) VCF-style: chr19-45206832-G-A.
Other names: short protein forms R84Q.
Identifiers: ClinVar variation 3617850 (VCV003617850.2).